The following is an entry in ClinVar:

ClinVar aggregate classification (germline): Conflicting classifications of pathogenicity. Review status: criteria provided, conflicting classifications (1 of 4 stars). 3 submissions from 3 submitters: Uncertain significance (2); Likely benign (1). Last evaluated 2025-11-13.

Conditions:
BAP1-related tumor predisposition syndrome (TPDS1). Also called: COMMON Syndrome; TUMOR PREDISPOSITION SYNDROME 1; Tumor susceptibility linked to germline BAP1 mutations; BAP1 tumor predisposition syndrome. Identifiers: Orphanet 289539, MedGen C3280492, MONDO:0013692, OMIM 614327.
Hereditary cancer-predisposing syndrome. Also called: Hereditary Cancer Syndrome; Neoplastic Syndromes, Hereditary; Tumor predisposition; Hereditary neoplastic syndrome. Identifiers: Orphanet 140162, MedGen C0027672, MeSH D009386, MONDO:0015356.

Submissions (3):

Ambry Genetics
Classification: Likely benign for Hereditary cancer-predisposing syndrome. Last evaluated: 2025-11-13. Review status: criteria provided, single submitter. Criteria: Ambry Variant Classification Scheme 2023. Collection method: clinical testing. Allele origin: germline.

Labcorp Genetics (formerly Invitae), Labcorp
Classification: Uncertain significance for BAP1-related tumor predisposition syndrome. Last evaluated: 2024-06-03. Review status: criteria provided, single submitter. Criteria: Invitae Variant Classification Sherloc (09022015). Collection method: clinical testing. Allele origin: germline.
Comment: This sequence change replaces arginine, which is basic and polar, with tryptophan, which is neutral and slightly polar, at codon 699 of the BAP1 protein (p.Arg699Trp). This variant is not present in population databases (gnomAD no frequency). This variant has not been reported in the literature in individuals affected with BAP1-related conditions. ClinVar contains an entry for this variant (Variation ID: 1978108). Advanced modeling of protein sequence and biophysical properties (such as structural, functional, and spatial information, amino acid conservation, physicochemical variation, residue mobility, and thermodynamic stability) performed at Invitae indicates that this missense variant is not expected to disrupt BAP1 protein function with a negative predictive value of 80%. In summary, the available evidence is currently insufficient to determine the role of this variant in disease. Therefore, it has been classified as a Variant of Uncertain Significance.

Baylor Genetics
Classification: Uncertain significance for BAP1-related tumor predisposition syndrome. Last evaluated: 2024-01-11. Review status: criteria provided, single submitter. Criteria: ACMG Guidelines, 2015. Collection method: clinical testing. Allele origin: unknown.

Literature cited by the submitters: PubMed 38969833 (cited by Ambry Genetics).

NM_004656.4(BAP1):c.2095C>T (p.Arg699Trp)

Gene: BAP1 (BRCA1 associated deubiquitinase 1; minus strand). Cytogenetic location: 3p21.1.
Variant type: single nucleotide variant.
Coding change: c.2095C>T on transcript NM_004656.4 (MANE Select); coding-DNA position 2095, C replaced by T.
Protein change: p.Arg699Trp; replaces arginine 699 with tryptophan.
Molecular consequence: missense variant.
Genome position (GRCh38, 1-based): chr3:52,402,383, G>A on the plus strand (C>T on the coding strand, the complement: BAP1 is on the minus strand). VCF-style: chr3-52402383-G-A. GRCh37 (hg19) VCF-style: chr3-52436399-G-A.
Other names: c.2041C>T, p.Arg681Trp (NM_001410772.1); short protein forms R681W, R699W.
Identifiers: ClinVar variation 1978108 (VCV001978108.9), dbSNP rs372987719, ClinGen allele CA353094382.